The following is an entry in ClinVar:

NM_004082.5(DCTN1):c.1741G>T (p.Ala581Ser)

Gene: DCTN1 (dynactin subunit 1; minus strand). Cytogenetic location: 2p13.1.
Variant type: single nucleotide variant.
Coding change: c.1741G>T on transcript NM_004082.5 (MANE Select); coding-DNA position 1741, G replaced by T.
Protein change: p.Ala581Ser; replaces alanine 581 with serine.
Molecular consequence: missense variant. On other transcripts: non-coding transcript variant (1).
Genome position (GRCh38, 1-based): chr2:74,368,841, C>A on the plus strand (G>T on the coding strand, the complement: DCTN1 is on the minus strand). VCF-style: chr2-74368841-C-A. GRCh37 (hg19) VCF-style: chr2-74595968-C-A.
Other names: c.1681G>T, p.Ala561Ser (NM_001135040.3); c.1339G>T, p.Ala447Ser (NM_001135041.3, NM_023019.4); c.1630G>T, p.Ala544Ser (NM_001190836.2); c.1720G>T, p.Ala574Ser (NM_001190837.2); c.1690G>T, p.Ala564Ser (NM_001378991.1); c.1672G>T, p.Ala558Ser (NM_001378992.1); short protein forms A544S, A447S, A564S, A558S, A561S, A574S, A581S.
Identifiers: ClinVar variation 2940593 (VCV002940593.4), dbSNP rs2529140096, ClinGen allele CA347355888.
Genomic context (GRCh38, chr2:74,368,841, plus strand): 5'-CACCTGGCCGAAGGAAGCTGTCAGGCATGAAGGCTGTCAGCAGGGACATGTGTCGATTGG[C>A]CTGGGCCACCTCCATCTGCCTCAATTCCATCTCAATTGCCTGTGAGGTGAACAGGGAGGA-3'
Protein context (NP_004073.2, residues 571-591): MELRQMEVAQ[Ala581Ser]NRHMSLLTAF

ClinVar aggregate classification (germline): Uncertain significance. Review status: criteria provided, multiple submitters, no conflicts (2 of 4 stars). 2 submissions from 2 submitters: Uncertain significance (2). Last evaluated 2025-08-22.

Conditions:
Amyotrophic lateral sclerosis type 1 (ALS1). Also called: AMYOTROPHIC LATERAL SCLEROSIS 1, FAMILIAL. Identifiers: Orphanet 803, MedGen C1862939, MONDO:0007103, OMIM 105400.
Neuronopathy, distal hereditary motor, type 7B. Also called: HMN VIIB; LOWER MOTOR NEURON DISEASE, DYNACTIN TYPE; NEURONOPATHY, DISTAL HEREDITARY MOTOR, AUTOSOMAL DOMINANT 14; NEURONOPATHY, DISTAL HEREDITARY MOTOR, HARDING TYPE VIIB; NEUROPATHY, DISTAL HEREDITARY MOTOR, HARDING TYPE VIIB; NEUROPATHY, DISTAL HEREDITARY MOTOR, WITH VOCAL CORD PARALYSIS, HARDING TYPE VIIB. Identifiers: Orphanet 139589, MedGen C1843315, MONDO:0011879, OMIM 607641.
Perry syndrome. Also called: PARKINSONISM WITH ALVEOLAR HYPOVENTILATION AND MENTAL DEPRESSION. Identifiers: Orphanet 178509, MedGen C1868594, MONDO:0008201, OMIM 168605.
Inborn genetic diseases. Identifiers: MedGen C0950123, MeSH D030342.

Submissions (2):

Ambry Genetics
Classification: Uncertain significance for Inborn genetic diseases. Last evaluated: 2025-08-22. Review status: criteria provided, single submitter. Criteria: Ambry Variant Classification Scheme 2023. Collection method: clinical testing. Allele origin: germline.

Labcorp Genetics (formerly Invitae), Labcorp
Classification: Uncertain significance for Amyotrophic lateral sclerosis type 1; Neuronopathy, distal hereditary motor, type 7B; Perry syndrome. Last evaluated: 2023-08-10. Review status: criteria provided, single submitter. Criteria: Invitae Variant Classification Sherloc (09022015). Collection method: clinical testing. Allele origin: germline.
Comment: This sequence change replaces alanine, which is neutral and non-polar, with serine, which is neutral and polar, at codon 581 of the DCTN1 protein (p.Ala581Ser). In summary, the available evidence is currently insufficient to determine the role of this variant in disease. Therefore, it has been classified as a Variant of Uncertain Significance. Advanced modeling of protein sequence and biophysical properties (such as structural, functional, and spatial information, amino acid conservation, physicochemical variation, residue mobility, and thermodynamic stability) performed at Invitae indicates that this missense variant is not expected to disrupt DCTN1 protein function. This variant has not been reported in the literature in individuals affected with DCTN1-related conditions. This variant is not present in population databases (gnomAD no frequency).